The following is an entry in ClinVar:

ClinVar aggregate classification (germline): Pathogenic (1 of 4 stars; one submission).

Allele frequency attached by ClinVar (database versions not stated): gnomAD exomes below 0.00001.
gnomAD v4.1: 4 of 1,614,040 alleles (0.00025%); highest among the groups gnomAD compares: Non-Finnish European, 0.00034%; no homozygotes.

Submission:

Labcorp Genetics (formerly Invitae), Labcorp
Classification: Pathogenic. Last evaluated: 2022-11-03. Review status: criteria provided, single submitter. Criteria: Invitae Variant Classification Sherloc (09022015). Collection method: clinical testing. Allele origin: germline.
Comment: For these reasons, this variant has been classified as Pathogenic. This variant has not been reported in the literature in individuals affected with ADAM9-related conditions. This variant is not present in population databases (gnomAD no frequency). This sequence change creates a premature translational stop signal (p.Trp601*) in the ADAM9 gene. It is expected to result in an absent or disrupted protein product. Loss-of-function variants in ADAM9 are known to be pathogenic (PMID: 19409519).

Literature cited by the submitters: PubMed 19409519.

NM_003816.3(ADAM9):c.1802G>A (p.Trp601Ter)

Gene: ADAM9 (ADAM metallopeptidase domain 9; plus strand). Cytogenetic location: 8p11.22.
Variant type: single nucleotide variant.
Coding change: c.1802G>A on transcript NM_003816.3 (MANE Select); coding-DNA position 1802, G replaced by A.
Protein change: p.Trp601Ter; replaces tryptophan 601 with a stop codon.
Molecular consequence: nonsense. On other transcripts: non-coding transcript variant (3).
Genome position (GRCh38, 1-based): chr8:39,077,332, G>A. VCF-style: chr8-39077332-G-A. GRCh37 (hg19) VCF-style: chr8-38934851-G-A.
Other names: short protein forms W601*.
Identifiers: ClinVar variation 2811859 (VCV002811859.3), dbSNP rs2536369452, ClinGen allele CA370746644.